The following is an entry in ClinVar:

NM_001037131.3(AGAP1):c.2428C>G (p.Arg810Gly)

Gene: AGAP1 (ArfGAP with GTPase domain, ankyrin repeat and PH domain 1; plus strand). Cytogenetic location: 2q37.2.
Variant type: single nucleotide variant.
Coding change: c.2428C>G on transcript NM_001037131.3 (MANE Select); coding-DNA position 2428, C replaced by G.
Protein change: p.Arg810Gly; replaces arginine 810 with glycine.
Molecular consequence: missense variant.
Genome position (GRCh38, 1-based): chr2:236,123,976, C>G. VCF-style: chr2-236123976-C-G. GRCh37 (hg19) VCF-style: chr2-237032620-C-G.
Other names: c.2269C>G, p.Arg757Gly (NM_014914.5); short protein forms R757G, R810G.
Identifiers: ClinVar variation 3014554 (VCV003014554.3), dbSNP rs781432875, ClinGen allele CA351161904.

ClinVar aggregate classification (germline): Uncertain significance (1 of 4 stars; one submission).

gnomAD v4.1: 5 of 1,613,968 alleles (0.00031%); highest among the groups gnomAD compares: Non-Finnish European, 0.00042%; no homozygotes.

Submission:

Labcorp Genetics (formerly Invitae), Labcorp
Classification: Uncertain significance. Last evaluated: 2023-01-21. Review status: criteria provided, single submitter. Criteria: Invitae Variant Classification Sherloc (09022015). Collection method: clinical testing. Allele origin: germline.
Comment: In summary, the available evidence is currently insufficient to determine the role of this variant in disease. Therefore, it has been classified as a Variant of Uncertain Significance. Algorithms developed to predict the effect of missense changes on protein structure and function are either unavailable or do not agree on the potential impact of this missense change (SIFT: "Deleterious"; PolyPhen-2: "Benign"; Align-GVGD: "Class C45"). This variant has not been reported in the literature in individuals affected with AGAP1-related conditions. This variant is not present in population databases (gnomAD no frequency). This sequence change replaces arginine, which is basic and polar, with glycine, which is neutral and non-polar, at codon 757 of the AGAP1 protein (p.Arg757Gly).